The following is an entry in ClinVar:

ClinVar aggregate classification (germline): Uncertain significance (1 of 4 stars; one submission).

Submission:

Dasa
Classification: Uncertain significance. Last evaluated: 2025-03-03. Review status: criteria provided, single submitter. Criteria: DASA Assertion Criteria. Collection method: clinical testing. Allele origin: germline.
Comment: NM_024408.4(NOTCH2):c.3746G>A (p.Ser1249Asn) is a missense variant that results in the substitution of serine with asparagine. This variant is absent from population databases. Computational prediction algorithms are consistent with a benign effect. The currently available literature and clinical evidence are not sufficient to establish a definitive association between this variant and the reported condition. Therefore, this variant is classified as a variant of uncertain significance.

NM_024408.4(NOTCH2):c.3746G>A (p.Ser1249Asn)

Gene: NOTCH2 (notch receptor 2; minus strand). Cytogenetic location: 1p12.
Variant type: single nucleotide variant.
Coding change: c.3746G>A on transcript NM_024408.4 (MANE Select); coding-DNA position 3746, G replaced by A.
Protein change: p.Ser1249Asn; replaces serine 1249 with asparagine.
Molecular consequence: missense variant.
Genome position (GRCh38, 1-based): chr1:119,929,122, C>T on the plus strand (G>A on the coding strand, the complement: NOTCH2 is on the minus strand). VCF-style: chr1-119929122-C-T. GRCh37 (hg19) VCF-style: chr1-120471745-C-T.
Other names: short protein forms S1249N.
Identifiers: ClinVar variation 4881633 (VCV004881633.2).
Genomic context (GRCh38, chr1:119,929,122, plus strand): 5'-AGGCACTCGTTGATGTCTCCCTCACAACGCTCCCCAGCAAAGCCAGGCAAGCAGCGACAA[C>T]TGTAGCCTCCAATCCTATCCATGCACTGACCACCATTAAGGCAATGGGGACCCCGGGCAC-3'
Protein context (NP_077719.2, residues 1239-1259): GQCMDRIGGY[Ser1249Asn]CRCLPGFAGE